The following is an entry in ClinVar:

NM_206933.4(USH2A):c.14086T>C (p.Ser4696Pro)

Gene: USH2A (usherin; minus strand). Cytogenetic location: 1q41.
Variant type: single nucleotide variant.
Coding change: c.14086T>C on transcript NM_206933.4 (MANE Select); coding-DNA position 14086, T replaced by C.
Protein change: p.Ser4696Pro; replaces serine 4696 with proline.
Molecular consequence: missense variant.
Genome position (GRCh38, 1-based): chr1:215,671,019, A>G on the plus strand (T>C on the coding strand, the complement: USH2A is on the minus strand). VCF-style: chr1-215671019-A-G. GRCh37 (hg19) VCF-style: chr1-215844361-A-G.
Other names: short protein forms S4696P.
Identifiers: ClinVar variation 949983 (VCV000949983.8), dbSNP rs751019233, ClinGen allele CA1393153.

ClinVar aggregate classification (germline): Uncertain significance. Review status: criteria provided, single submitter (1 of 4 stars). 2 submissions from 2 submitters: Uncertain significance (1). 1 of the submissions does not count toward it. Last evaluated 2022-08-31.

Conditions:
Usher syndrome type 2A. Also called: RETINAL DISEASE IN USHER SYNDROME TYPE IIA, MODIFIER OF; USHER SYNDROME, TYPE IIA. Identifiers: Orphanet 231178, Orphanet 886, MedGen C1848634, MONDO:0010169, OMIM 276901.

Allele frequency attached by ClinVar (database versions not stated): ExAC 0.00001; gnomAD exomes 0.00001.
gnomAD v4.1: 9 of 1,614,182 alleles (0.00056%); highest among the groups gnomAD compares: Non-Finnish European, 0.00076%; no homozygotes.

Submissions (2):

Labcorp Genetics (formerly Invitae), Labcorp
Classification: Uncertain significance. Last evaluated: 2022-08-31. Review status: criteria provided, single submitter. Criteria: Invitae Variant Classification Sherloc (09022015). Collection method: clinical testing. Allele origin: germline.
Comment: This sequence change replaces serine, which is neutral and polar, with proline, which is neutral and non-polar, at codon 4696 of the USH2A protein (p.Ser4696Pro). This variant is present in population databases (rs751019233, gnomAD 0.002%). This variant has not been reported in the literature in individuals affected with USH2A-related conditions. ClinVar contains an entry for this variant (Variation ID: 949983). Algorithms developed to predict the effect of missense changes on protein structure and function are either unavailable or do not agree on the potential impact of this missense change (SIFT: "Tolerated"; PolyPhen-2: "Possibly Damaging"; Align-GVGD: "Class C0"). In summary, the available evidence is currently insufficient to determine the role of this variant in disease. Therefore, it has been classified as a Variant of Uncertain Significance.

Natera, Inc.
Classification: Uncertain significance for Usher syndrome type 2A. Last evaluated: 2020-01-20. Review status: no assertion criteria provided. Collection method: clinical testing. Allele origin: germline. Not counted in ClinVar's aggregate classification.